The following is an entry in ClinVar:

ClinVar aggregate classification (germline): Uncertain significance (1 of 4 stars; one submission).

gnomAD v4.1: 1 of 1,614,194 alleles (0.000062%); highest among the groups gnomAD compares: African/African-American, 0.0013%; no homozygotes.

Submission:

Ambry Genetics
Classification: Uncertain significance. Last evaluated: 2024-10-18. Review status: criteria provided, single submitter. Criteria: Ambry Variant Classification Scheme 2023. Collection method: clinical testing. Allele origin: germline.
Comment: The p.A773D variant (also known as c.2318C>A), located in coding exon 4 of the ALPK2 gene, results from a C to A substitution at nucleotide position 2318. The alanine at codon 773 is replaced by aspartic acid, an amino acid with dissimilar properties. This amino acid position is conserved. In addition, this alteration is predicted to be tolerated by in silico analysis. Based on the available evidence, the clinical significance of this variant remains unclear.

NM_052947.4(ALPK2):c.2318C>A (p.Ala773Asp)

Gene: ALPK2 (alpha kinase 2; minus strand). Cytogenetic location: 18q21.31.
Variant type: single nucleotide variant.
Coding change: c.2318C>A on transcript NM_052947.4 (MANE Select); coding-DNA position 2318, C replaced by A.
Protein change: p.Ala773Asp; replaces alanine 773 with aspartic acid.
Molecular consequence: missense variant.
Genome position (GRCh38, 1-based): chr18:58,537,869, G>T on the plus strand (C>A on the coding strand, the complement: ALPK2 is on the minus strand). VCF-style: chr18-58537869-G-T. GRCh37 (hg19) VCF-style: chr18-56205101-G-T.
Other names: short protein forms A773D.
Identifiers: ClinVar variation 3531778 (VCV003531778.1).